The following is an entry in ClinVar:

NM_000466.3(PEX1):c.3222C>T (p.Ser1074=)

Genes: PEX1 (peroxisomal biogenesis factor 1; minus strand), GATAD1 (GATA zinc finger domain containing 1; plus strand). Cytogenetic location: 7q21.2.
Variant type: single nucleotide variant.
Coding change: c.3222C>T on transcript NM_000466.3 (MANE Select); coding-DNA position 3222, C replaced by T.
Protein change: p.Ser1074=; no amino-acid change (serine 1074 retained).
Molecular consequence: synonymous variant.
Genome position (GRCh38, 1-based): chr7:92,491,488, G>A on the plus strand (C>T on the coding strand, the complement: PEX1 is on the minus strand). VCF-style: chr7-92491488-G-A. GRCh37 (hg19) VCF-style: chr7-92120802-G-A.
Other names: c.3051C>T, p.Ser1017= (NM_001282677.2); c.2598C>T, p.Ser866= (NM_001282678.2); c.3222C>T (NM_000466.2).
Identifiers: ClinVar variation 1082563 (VCV001082563.11), dbSNP rs1327864856, ClinGen allele CA456624378.

ClinVar aggregate classification (germline): Likely benign. Review status: criteria provided, single submitter (1 of 4 stars). 2 submissions from 2 submitters: Likely benign (1). 1 of the submissions does not count toward it. Last evaluated 2025-03-25.

Conditions:
PEX1-related disorder. Also called: PEX1-related condition.
Zellweger spectrum disorders (ZS). Also called: Zellweger Spectrum Disorder (ZSD); Zellweger syndrome; Zellweger Spectrum Disorder; Zellweger Spectrum. Identifiers: Orphanet 912, MedGen C0043459, MONDO:0019609.

Allele frequency attached by ClinVar (database versions not stated): gnomAD 0.00001; gnomAD exomes 0.00001.
gnomAD v4.1: 10 of 1,607,018 alleles (0.00062%); highest among the groups gnomAD compares: Non-Finnish European, 0.00085%; no homozygotes.

Submissions (2):

Labcorp Genetics (formerly Invitae), Labcorp
Classification: Likely benign for Zellweger spectrum disorders. Last evaluated: 2025-03-25. Review status: criteria provided, single submitter. Criteria: Invitae Variant Classification Sherloc (09022015). Collection method: clinical testing. Allele origin: germline.

PreventionGenetics, part of Exact Sciences
Classification: Likely benign for PEX1-related condition. Last evaluated: 2022-11-16. Review status: no assertion criteria provided. Collection method: clinical testing. Allele origin: germline. Not counted in ClinVar's aggregate classification.
Comment: This variant is classified as likely benign based on ACMG/AMP sequence variant interpretation guidelines (Richards et al. 2015 PMID: 25741868, with internal and published modifications).